The following is an entry in ClinVar:

ClinVar aggregate classification (germline): Uncertain significance. Review status: criteria provided, multiple submitters, no conflicts (2 of 4 stars). 2 submissions from 2 submitters: Uncertain significance (2). Last evaluated 2024-10-22.

Conditions:
Cardiovascular phenotype. Identifiers: MedGen CN230736.
3-Methylglutaconic aciduria type 2 (BTHS). Also called: CARDIOSKELETAL MYOPATHY WITH NEUTROPENIA AND ABNORMAL MITOCHONDRIA; Barth syndrome. Identifiers: Orphanet 111, MedGen C0574083, MONDO:0010543, OMIM 302060.

Allele frequency attached by ClinVar (database versions not stated): gnomAD exomes below 0.00001.
gnomAD v4.1: 5 of 1,204,833 alleles (0.00041%); highest among the groups gnomAD compares: Non-Finnish European, 0.00056%; no homozygotes.

Submissions (2):

Labcorp Genetics (formerly Invitae), Labcorp
Classification: Uncertain significance for 3-Methylglutaconic aciduria type 2. Last evaluated: 2024-10-22. Review status: criteria provided, single submitter. Criteria: Invitae Variant Classification Sherloc (09022015). Collection method: clinical testing. Allele origin: germline.
Comment: This sequence change replaces proline, which is neutral and non-polar, with serine, which is neutral and polar, at codon 13 of the TAZ protein (p.Pro13Ser). This variant is not present in population databases (gnomAD no frequency). This variant has not been reported in the literature in individuals affected with TAZ-related conditions. ClinVar contains an entry for this variant (Variation ID: 1799627). An algorithm developed to predict the effect of missense changes on protein structure and function (PolyPhen-2) suggests that this variant is likely to be tolerated. In summary, the available evidence is currently insufficient to determine the role of this variant in disease. Therefore, it has been classified as a Variant of Uncertain Significance.

Ambry Genetics
Classification: Uncertain significance for Cardiovascular phenotype. Last evaluated: 2022-10-13. Review status: criteria provided, single submitter. Criteria: Ambry Variant Classification Scheme 2023. Collection method: clinical testing. Allele origin: germline.
Comment: The p.P13S variant (also known as c.37C>T), located in coding exon 1 of the TAZ gene, results from a C to T substitution at nucleotide position 37. The proline at codon 13 is replaced by serine, an amino acid with similar properties. This amino acid position is highly conserved in available vertebrate species. In addition, the in silico prediction for this alteration is inconclusive. Since supporting evidence is limited at this time, the clinical significance of this alteration remains unclear.

NM_000116.5(TAFAZZIN):c.37C>T (p.Pro13Ser)

Genes: DNASE1L1 (deoxyribonuclease 1 like 1; minus strand), TAFAZZIN (tafazzin, phospholipid-lysophospholipid transacylase; plus strand), LOC130068869 (ATAC-STARR-seq lymphoblastoid silent region 21101; plus strand). Cytogenetic location: Xq28.
Variant type: single nucleotide variant.
Coding change: c.37C>T on transcript NM_000116.5 (MANE Select); coding-DNA position 37, C replaced by T.
Protein change: p.Pro13Ser; replaces proline 13 with serine.
Molecular consequence: missense variant. On other transcripts: non-coding transcript variant (1), intron variant (3).
Genome position (GRCh38, 1-based): chrX:154,411,880, C>T. VCF-style: chrX-154411880-C-T. GRCh37 (hg19) VCF-style: chrX-153640217-C-T.
Other names: c.37C>T, p.Pro13Ser (NM_001303465.2, NM_001410698.1, NM_001440856.1 and 5 more transcripts); c.-88+11G>A (NM_001009934.3); c.-173+11G>A (NM_001009933.3); c.-431+11G>A (NM_001009932.3); short protein forms P13S.
Identifiers: ClinVar variation 1799627 (VCV001799627.5), dbSNP rs1557190850, ClinGen allele CA415178060.